The following is an entry in ClinVar:

NM_024675.4(PALB2):c.3478T>C (p.Ser1160Pro)

Gene: PALB2 (partner and localizer of BRCA2; minus strand). Cytogenetic location: 16p12.2.
Variant type: single nucleotide variant.
Coding change: c.3478T>C on transcript NM_024675.4 (MANE Select); coding-DNA position 3478, T replaced by C.
Protein change: p.Ser1160Pro; replaces serine 1160 with proline.
Molecular consequence: missense variant. On other transcripts: 3 prime UTR variant (5).
Genome position (GRCh38, 1-based): chr16:23,603,542, A>G on the plus strand (T>C on the coding strand, the complement: PALB2 is on the minus strand). VCF-style: chr16-23603542-A-G. GRCh37 (hg19) VCF-style: chr16-23614863-A-G.
Other names: c.3418T>C, p.Ser1140Pro (NM_001407296.1); c.3406T>C, p.Ser1136Pro (NM_001407297.1); c.3316T>C, p.Ser1106Pro (NM_001407298.1); c.3241T>C, p.Ser1081Pro (NM_001407299.1); c.3199T>C, p.Ser1067Pro (NM_001407300.1); c.*113T>C (NM_001407301.1, NM_001407302.1, NM_001407310.1 and 2 more transcripts); c.2593T>C, p.Ser865Pro (NM_001407304.1, NM_001407305.1, NM_001407306.1); c.2431T>C, p.Ser811Pro (NM_001407307.1); and 3 more; short protein forms S1140P, S1160P, S811P, S1106P, S1136P, S338P, S786P, S865P.
Identifiers: ClinVar variation 4130327 (VCV004130327.1).

ClinVar aggregate classification (germline): Uncertain significance (1 of 4 stars; one submission).

Conditions:
Hereditary cancer-predisposing syndrome. Also called: Hereditary neoplastic syndrome; Neoplastic Syndromes, Hereditary; Tumor predisposition; Hereditary Cancer Syndrome. Identifiers: Orphanet 140162, MedGen C0027672, MeSH D009386, MONDO:0015356.

Submission:

Ambry Genetics
Classification: Uncertain significance for Hereditary cancer-predisposing syndrome. Last evaluated: 2025-07-21. Review status: criteria provided, single submitter. Criteria: Ambry Variant Classification Scheme 2023. Collection method: clinical testing. Allele origin: germline.
Comment: The p.S1160P variant (also known as c.3478T>C), located in coding exon 13 of the PALB2 gene, results from a T to C substitution at nucleotide position 3478. The serine at codon 1160 is replaced by proline, an amino acid with similar properties. In a homology-directed DNA repair (HDR) assay and in a PARP inhibitor sensitivity assay, this alteration was found to be functionally normal (Boonen RACM et al. Nat Commun, 2019 Nov;10:5296). This variant was identified in a cohort of 882 Chinese individuals with a personal and/or family history of breast or ovarian cancers who underwent multi-gene panel testing for HBOC risk assessment (Shao D et al. Cancer Sci, 2020 Feb;111:647-657). This amino acid position is highly conserved in available vertebrate species. In addition, the in silico prediction for this alteration is inconclusive. Based on the available evidence, the clinical significance of this variant remains unclear.

Literature cited by the submitters: PubMed 31742824; PubMed 31757951.